The following is an entry in ClinVar:

ClinVar aggregate classification (germline): Uncertain significance (1 of 4 stars; one submission).

Conditions:
Perlman syndrome (PRLMNS). Identifiers: Orphanet 2849, MedGen C0796113, MONDO:0009965, OMIM 267000.

Allele frequency attached by ClinVar (database versions not stated): gnomAD exomes below 0.00001; ExAC 0.00001; gnomAD 0.00001; TOPMed 0.00001; ESP Exome Variant Server 0.00008.
gnomAD v4.1: 2 of 1,613,772 alleles (0.00012%); highest among the groups gnomAD compares: Non-Finnish European, 0.00017%; no homozygotes.

Submission:

Labcorp Genetics (formerly Invitae), Labcorp
Classification: Uncertain significance for Perlman syndrome. Last evaluated: 2024-05-06. Review status: criteria provided, single submitter. Criteria: Invitae Variant Classification Sherloc (09022015). Collection method: clinical testing. Allele origin: germline.
Comment: This sequence change replaces alanine, which is neutral and non-polar, with serine, which is neutral and polar, at codon 320 of the DIS3L2 protein (p.Ala320Ser). This variant is not present in population databases (gnomAD no frequency). This variant has not been reported in the literature in individuals affected with DIS3L2-related conditions. ClinVar contains an entry for this variant (Variation ID: 952066). Advanced modeling of protein sequence and biophysical properties (such as structural, functional, and spatial information, amino acid conservation, physicochemical variation, residue mobility, and thermodynamic stability) performed at Invitae indicates that this missense variant is not expected to disrupt DIS3L2 protein function with a negative predictive value of 80%. In summary, the available evidence is currently insufficient to determine the role of this variant in disease. Therefore, it has been classified as a Variant of Uncertain Significance.

NM_152383.5(DIS3L2):c.958G>T (p.Ala320Ser)

Gene: DIS3L2 (DIS3 like 3'-5' exoribonuclease 2; plus strand). Cytogenetic location: 2q37.1.
Variant type: single nucleotide variant.
Coding change: c.958G>T on transcript NM_152383.5 (MANE Select); coding-DNA position 958, G replaced by T.
Protein change: p.Ala320Ser; replaces alanine 320 with serine.
Molecular consequence: missense variant. On other transcripts: non-coding transcript variant (2).
Genome position (GRCh38, 1-based): chr2:232,163,466, G>T. VCF-style: chr2-232163466-G-T. GRCh37 (hg19) VCF-style: chr2-233028176-G-T.
Other names: c.958G>T, p.Ala320Ser (NM_001257281.2); short protein forms A320S.
Identifiers: ClinVar variation 952066 (VCV000952066.7), dbSNP rs373386599, ClinGen allele CA2163987.